The following is an entry in ClinVar:

NM_000044.6(AR):c.2567G>C (p.Arg856Pro)

Gene: AR (androgen receptor; plus strand). Cytogenetic location: Xq12.
Variant type: single nucleotide variant.
Coding change: c.2567G>C on transcript NM_000044.6 (MANE Select); coding-DNA position 2567, G replaced by C.
Protein change: p.Arg856Pro; replaces arginine 856 with proline.
Molecular consequence: missense variant.
Genome position (GRCh38, 1-based): chrX:67,722,944, G>C. VCF-style: chrX-67722944-G-C. GRCh37 (hg19) VCF-style: chrX-66942786-G-C.
Other names: p.Arg856Pro; c.971G>C, p.Arg324Pro (NM_001011645.3); short protein forms R324P, R856P.
Identifiers: ClinVar variation 4081597 (VCV004081597.1).
Genomic context (GRCh38, chrX:67,722,944, plus strand): 5'-TCAAGGAACTCGATCGTATCATTGCATGCAAAAGAAAAAATCCCACATCCTGCTCAAGAC[G>C]CTTCTACCAGCTCACCAAGCTCCTGGACTCCGTGCAGCCTGTAAGCAAACGATGGAGGGT-3'
Protein context (NP_000035.2, residues 846-866): KRKNPTSCSR[Arg856Pro]FYQLTKLLDS

ClinVar aggregate classification (germline): Likely pathogenic (1 of 4 stars; one submission).

Conditions:
Androgen resistance syndrome (AIS). Also called: ANDROGEN RECEPTOR DEFICIENCY; DIHYDROTESTOSTERONE RECEPTOR DEFICIENCY; TESTICULAR FEMINIZATION SYNDROME; Androgen insensitivity syndrome; Androgen insensitivity, complete; Androgen insensitivity syndrome due to coactivator deficiency. Identifiers: Orphanet 754, Orphanet 99429, MedGen C0039585, MONDO:0019154, OMIM 300068. Disease mechanism: loss of function.

Submission:

Center of Excellence of Human Genetics, National Research Center
Classification: Likely pathogenic for Androgen resistance syndrome. Review status: criteria provided, single submitter. Criteria: ACMG Guidelines, 2015. Collection method: clinical testing. Allele origin: unknown. Affected: yes.
Comment: The variant is not reported in population datasets, and computational tools confirm its pathogenicity (REVEL: deleterious (0.95), MetaLR: deleterious (0.99), AlphaMissense: deleterious (0.99)). It has not been reported before in the literature; however, the same codon with a different amino acid change is reported. These evidences confirm the classification of a likely pathogenic variant.

Literature cited by the submitters: PubMed 29785970.